The following is an entry in ClinVar:

ClinVar aggregate classification (germline): Uncertain significance (1 of 4 stars; one submission).

gnomAD v4.1: 3 of 1,612,818 alleles (0.00019%); highest among the groups gnomAD compares: Admixed American, 0.0017%; no homozygotes.

Submission:

Labcorp Genetics (formerly Invitae), Labcorp
Classification: Uncertain significance. Last evaluated: 2025-05-13. Review status: criteria provided, single submitter. Criteria: Invitae Variant Classification Sherloc (09022015). Collection method: clinical testing. Allele origin: germline.
Comment: This sequence change replaces threonine, which is neutral and polar, with isoleucine, which is neutral and non-polar, at codon 653 of the COL11A2 protein (p.Thr653Ile). This variant is not present in population databases (gnomAD no frequency). This variant has not been reported in the literature in individuals affected with COL11A2-related conditions. Invitae Evidence Modeling of protein sequence and biophysical properties (such as structural, functional, and spatial information, amino acid conservation, physicochemical variation, residue mobility, and thermodynamic stability) indicates that this missense variant is not expected to disrupt COL11A2 protein function with a negative predictive value of 95%. In summary, the available evidence is currently insufficient to determine the role of this variant in disease. Therefore, it has been classified as a Variant of Uncertain Significance.

NM_080680.3(COL11A2):c.1958C>T (p.Thr653Ile)

Gene: COL11A2 (collagen type XI alpha 2 chain; minus strand). Cytogenetic location: 6p21.32.
Variant type: single nucleotide variant.
Coding change: c.1958C>T on transcript NM_080680.3 (MANE Select); coding-DNA position 1958, C replaced by T.
Protein change: p.Thr653Ile; replaces threonine 653 with isoleucine.
Molecular consequence: missense variant. On other transcripts: 5 prime UTR variant (1).
Genome position (GRCh38, 1-based): chr6:33,177,425, G>A on the plus strand (C>T on the coding strand, the complement: COL11A2 is on the minus strand). VCF-style: chr6-33177425-G-A. GRCh37 (hg19) VCF-style: chr6-33145202-G-A.
Other names: c.1778C>T, p.Thr593Ile (NM_001424108.1); c.1112C>T, p.Thr371Ile (NM_001424109.1); c.932C>T, p.Thr311Ile (NM_001424110.1, NM_001424111.1); c.-89C>T (NM_001424112.1); c.1637C>T, p.Thr546Ile (NM_080679.3); c.1700C>T, p.Thr567Ile (NM_080681.3); short protein forms T311I, T371I, T546I, T567I, T593I, T653I.
Identifiers: ClinVar variation 4797044 (VCV004797044.1).